The following is an entry in ClinVar:

NM_206933.4(USH2A):c.11216_11223del (p.Leu3739fs)

Gene: USH2A (usherin; minus strand). Cytogenetic location: 1q41.
Variant type: Deletion.
Coding change: c.11216_11223del on transcript NM_206933.4 (MANE Select); coding-DNA positions 11216 to 11223, 8 bases deleted (TGGAGCCC; older notation c.11216_11223delTGGAGCCC).
Protein change: p.Leu3739fs; shifts the reading frame from leucine 3739.
Molecular consequence: frameshift variant.
Genome position (GRCh38, 1-based): chr1:215,759,668-215,759,675, GGGCTCCA deleted on the plus strand (TGGAGCCC on the coding strand, the reverse complement: USH2A is on the minus strand); deleting any 8 consecutive bases within chr1:215,759,668-215,759,677 gives the same sequence; the c. name uses the placement nearest the transcript's 3' end. VCF-style (leftmost placement, unchanged base first): chr1-215759667-TGGGCTCCA-T. GRCh37 (hg19) VCF-style: chr1-215933009-TGGGCTCCA-T.
Other names: short protein forms L3739fs.
Identifiers: ClinVar variation 818063 (VCV000818063.2), dbSNP rs1571657777, ClinGen allele CA915942015.

ClinVar aggregate classification (germline): Pathogenic. Review status: criteria provided, single submitter (1 of 4 stars). 2 submissions from 2 submitters: Pathogenic (1). 1 of the submissions does not count toward it. Last evaluated 2019-03-14.

Conditions:
Usher syndrome type 2A. Also called: RETINAL DISEASE IN USHER SYNDROME TYPE IIA, MODIFIER OF; USHER SYNDROME, TYPE IIA. Identifiers: Orphanet 231178, Orphanet 886, MedGen C1848634, MONDO:0010169, OMIM 276901.

Submissions (2):

GeneDx
Classification: Pathogenic. Last evaluated: 2019-03-14. Review status: criteria provided, single submitter. Criteria: GeneDx Variant Classification (06012015). Collection method: clinical testing. Allele origin: germline. Affected: yes.
Comment: The c.11216_11223delTGGAGCCC variant in the USH2A gene has not been reported previously as a pathogenic variant nor as a benign variant, to our knowledge. This variant causes a frameshift starting with codon Leucine 3739, changes this amino acid to a Glutamine residue, and creates a premature Stop codon at position 2 of the new reading frame, denoted p.Leu3739GlnfsX2. This variant is predicted to cause loss of normal protein function either through protein truncation or nonsense-mediated mRNA decay. This frameshift variant is not observed in large population cohorts (Lek et al., 2016). We interpret c.11216_11223delTGGAGCCC as a pathogenic variant.

Natera, Inc.
Classification: Pathogenic for Usher syndrome type 2A. Last evaluated: 2021-07-30. Review status: no assertion criteria provided. Collection method: clinical testing. Allele origin: germline. Not counted in ClinVar's aggregate classification.